The following is an entry in ClinVar:

NM_001164508.2(NEB):c.19429-374dup

Genes: NEB (nebulin; minus strand), LOC126806373 (BRD4-independent group 4 enhancer GRCh37_chr2:152410007-152411206; plus strand). Cytogenetic location: 2q23.3.
Variant type: Duplication.
Coding change: c.19429-374dup on transcript NM_001164508.2 (MANE Select); 374 bases into the intron before coding-DNA position 19429, one base duplicated (T; older notation c.19429-374dupT).
Molecular consequence: intron variant.
Genome position (GRCh38, 1-based): chr2:151,554,399, A duplicated on the plus strand (T on the coding strand, the reverse complement: NEB is on the minus strand); the first of 9 consecutive A bases (chr2:151,554,399-151,554,407); duplicating any one gives the same sequence. VCF-style (leftmost placement, unchanged base first): chr2-151554398-C-CA. GRCh37 (hg19) VCF-style: chr2-152410912-C-CA.
Other names: c.14326-374dup (NM_004543.5); c.19429-374dup (NM_001164507.2, NM_001271208.2).
Identifiers: ClinVar variation 4979097 (VCV004979097.1).

ClinVar aggregate classification (germline): Likely benign (1 of 4 stars; one submission).

Conditions:
NEB-related disorder. Also called: NEB-Related Disorders; NEB-related condition.

Submission:

PreventionGenetics, part of Exact Sciences
Classification: Likely benign for NEB-related condition. Last evaluated: 2024-11-05. Review status: criteria provided, single submitter. Criteria: ACMG Guidelines, 2015. Collection method: clinical testing. Allele origin: germline.
Comment: This variant is classified as likely benign based on ACMG/AMP sequence variant interpretation guidelines (Richards et al. 2015 PMID: 25741868, with internal and published modifications).